The following is an entry in ClinVar:

ClinVar aggregate classification (germline): Uncertain significance (1 of 4 stars; one submission).

Submission:

GeneDx
Classification: Uncertain significance. Last evaluated: 2024-12-17. Review status: criteria provided, single submitter. Criteria: GeneDx Variant Classification Process June 2021. Collection method: clinical testing. Allele origin: germline. Affected: yes.
Comment: Not observed at significant frequency in large population cohorts (gnomAD); In silico analysis supports that this missense variant has a deleterious effect on protein structure/function; Has not been previously published as pathogenic or benign to our knowledge

NM_182961.4(SYNE1):c.21212T>C (p.Ile7071Thr)

Gene: SYNE1 (spectrin repeat containing nuclear envelope protein 1; minus strand). Cytogenetic location: 6q25.2.
Variant type: single nucleotide variant.
Coding change: c.21212T>C on transcript NM_182961.4 (MANE Select); coding-DNA position 21212, T replaced by C.
Protein change: p.Ile7071Thr; replaces isoleucine 7071 with threonine.
Molecular consequence: missense variant.
Genome position (GRCh38, 1-based): chr6:152,225,860, A>G on the plus strand (T>C on the coding strand, the complement: SYNE1 is on the minus strand). VCF-style: chr6-152225860-A-G. GRCh37 (hg19) VCF-style: chr6-152546995-A-G.
Other names: c.20999T>C, p.Ile7000Thr (NM_033071.5); short protein forms I7000T, I7071T.
Identifiers: ClinVar variation 3906494 (VCV003906494.1).